The following is an entry in ClinVar:

NM_004287.5(GOSR2):c.354A>G (p.Ile118Met)

Genes: GOSR2 (golgi SNAP receptor complex member 2; plus strand), LRRC37A2 (leucine rich repeat containing 37 member A2). Cytogenetic location: 17q21.32.
Variant type: single nucleotide variant.
Coding change: c.354A>G on transcript NM_004287.5 (MANE Select); coding-DNA position 354, A replaced by G.
Protein change: p.Ile118Met; replaces isoleucine 118 with methionine.
Molecular consequence: missense variant. On other transcripts: non-coding transcript variant (1), intron variant (4).
Genome position (GRCh38, 1-based): chr17:46,935,046, A>G. VCF-style: chr17-46935046-A-G. GRCh37 (hg19) VCF-style: chr17-45012412-A-G.
Other names: c.354A>G, p.Ile118Met (NM_001012511.3, NM_001321133.2, NM_054022.4); c.351A>G, p.Ile117Met (NM_001353114.2); c.300A>G, p.Ile100Met (NM_001363851.2); c.282+2847A>G (NM_001321134.2); c.336+2847A>G (NM_001330252.2); c.333+2847A>G (NM_001353115.2, NM_001353116.2); c.354A>G (NM_004287.3); short protein forms I117M, I118M, I100M.
Identifiers: ClinVar variation 1931725 (VCV001931725.4), dbSNP rs2088065254, ClinGen allele CA400017951.

ClinVar aggregate classification (germline): Uncertain significance. Review status: criteria provided, multiple submitters, no conflicts (2 of 4 stars). 2 submissions from 2 submitters: Uncertain significance (2). Last evaluated 2024-10-12.

Conditions:
Inborn genetic diseases. Identifiers: MedGen C0950123, MeSH D030342.
Progressive myoclonic epilepsy. Also called: Myoclonus epilepsy; Progressive myoclonus epilepsy; Familial progressive myoclonic epilepsy; Myoclonic Epilepsies, Progressive. Identifiers: Orphanet 308, Orphanet 98261, MedGen C0751778, MONDO:0020074.

Allele frequency attached by ClinVar (database versions not stated): gnomAD exomes below 0.00001; TOPMed below 0.00001; gnomAD 0.00001.
gnomAD v4.1: 3 of 1,612,896 alleles (0.00019%); highest among the groups gnomAD compares: African/African-American, 0.0027%; no homozygotes.

Submissions (2):

Ambry Genetics
Classification: Uncertain significance for Inborn genetic diseases. Last evaluated: 2024-10-12. Review status: criteria provided, single submitter. Criteria: Ambry Variant Classification Scheme 2023. Collection method: clinical testing. Allele origin: germline.

Labcorp Genetics (formerly Invitae), Labcorp
Classification: Uncertain significance for Progressive myoclonic epilepsy. Last evaluated: 2022-08-01. Review status: criteria provided, single submitter. Criteria: Invitae Variant Classification Sherloc (09022015). Collection method: clinical testing. Allele origin: germline.
Comment: In summary, the available evidence is currently insufficient to determine the role of this variant in disease. Therefore, it has been classified as a Variant of Uncertain Significance. Algorithms developed to predict the effect of missense changes on protein structure and function are either unavailable or do not agree on the potential impact of this missense change (SIFT: "Deleterious"; PolyPhen-2: "Benign"; Align-GVGD: "Class C0"). This variant has not been reported in the literature in individuals affected with GOSR2-related conditions. This variant is not present in population databases (gnomAD no frequency). This sequence change replaces isoleucine, which is neutral and non-polar, with methionine, which is neutral and non-polar, at codon 118 of the GOSR2 protein (p.Ile118Met).